The following is an entry in ClinVar:

ClinVar aggregate classification (germline): Pathogenic (1 of 4 stars; one submission).

Submission:

GeneDx
Classification: Pathogenic. Last evaluated: 2016-03-28. Review status: criteria provided, single submitter. Criteria: GeneDx Variant Classification (06012015). Collection method: clinical testing. Allele origin: germline. Affected: yes.
Comment: It was not observed in approximately 6500 individuals of European and African American ancestry in the NHLBI Exome Sequencing Project, indicating it is not a common benign variant in these populations. The c.2 T>C pathogenic variant alters the initiator Methionine codon, and the resultant protein would be described as p.Met1?" using a question mark to signify that it is not known if the loss of Met1 means that all protein translation is completely prevented or if an abnormal protein is produced using an alternate Met. We interpret p.Met1? as a pathogenic variant."

NM_005562.3(LAMC2):c.2T>C (p.Met1Thr)

Genes: LAMC2 (laminin subunit gamma 2; plus strand), LOC126805948 (MED14-independent group 3 enhancer GRCh37_chr1:183154769-183155968; plus strand). Cytogenetic location: 1q25.3.
Variant type: single nucleotide variant.
Coding change: c.2T>C on transcript NM_005562.3 (MANE Select); coding-DNA position 2, T replaced by C.
Protein change: p.Met1Thr; changes the start codon (methionine 1).
Molecular consequence: missense variant, initiator codon variant.
Genome position (GRCh38, 1-based): chr1:183,186,354, T>C. VCF-style: chr1-183186354-T-C. GRCh37 (hg19) VCF-style: chr1-183155489-T-C.
Other names: c.2T>C, p.Met1Thr (NM_018891.3); short protein forms M1T.
Identifiers: ClinVar variation 488888 (VCV000488888.3), dbSNP rs1553262199, ClinGen allele CA343662631.